The following is an entry in ClinVar:

NM_002234.4(KCNA5):c.43A>G (p.Thr15Ala)

Gene: KCNA5 (potassium voltage-gated channel subfamily A member 5; plus strand). Cytogenetic location: 12p13.32.
Variant type: single nucleotide variant.
Coding change: c.43A>G on transcript NM_002234.4 (MANE Select); coding-DNA position 43, A replaced by G.
Protein change: p.Thr15Ala; replaces threonine 15 with alanine.
Molecular consequence: missense variant.
Genome position (GRCh38, 1-based): chr12:5,044,190, A>G. VCF-style: chr12-5044190-A-G. GRCh37 (hg19) VCF-style: chr12-5153356-A-G.
Other names: short protein forms T15A.
Identifiers: ClinVar variation 2694243 (VCV002694243.3), dbSNP rs1027035045, ClinGen allele CA231866740.

ClinVar aggregate classification (germline): Uncertain significance (1 of 4 stars; one submission).

Conditions:
Atrial fibrillation, familial, 7 (ATFB7). Identifiers: MedGen C2677106, MONDO:0012828, OMIM 612240.

Allele frequency attached by ClinVar (database versions not stated): gnomAD 0.00001; TOPMed 0.00001; gnomAD exomes 0.00002.

Submission:

Labcorp Genetics (formerly Invitae), Labcorp
Classification: Uncertain significance for Atrial fibrillation, familial, 7. Last evaluated: 2025-10-01. Review status: criteria provided, single submitter. Criteria: Invitae Variant Classification Sherloc (09022015). Collection method: clinical testing. Allele origin: germline.
Comment: This sequence change replaces threonine, which is neutral and polar, with alanine, which is neutral and non-polar, at codon 15 of the KCNA5 protein (p.Thr15Ala). This variant is present in population databases (no rsID available, gnomAD 0.03%). This variant has not been reported in the literature in individuals affected with KCNA5-related conditions. ClinVar contains an entry for this variant (Variation ID: 2694243). An algorithm developed to predict the effect of missense changes on protein structure and function outputs the following: PolyPhen-2: "Benign". The alanine amino acid residue is found in multiple mammalian species, which suggests that this missense change does not adversely affect protein function. In summary, the available evidence is currently insufficient to determine the role of this variant in disease. Therefore, it has been classified as a Variant of Uncertain Significance.